The following is an entry in ClinVar:

ClinVar aggregate classification (germline): Uncertain significance (0 of 4 stars; one submission).

Conditions:
CTCF-related disorder. Also called: CTCF-related condition. Identifiers: MedGen CN381101.

Allele frequency attached by ClinVar (database versions not stated): gnomAD exomes below 0.00001; gnomAD 0.00001; TOPMed 0.00001.
gnomAD v4.1: 2 of 1,500,500 alleles (0.00013%); highest among the groups gnomAD compares: Non-Finnish European, 0.00018%; no homozygotes.

Submission:

PreventionGenetics, part of Exact Sciences
Classification: Uncertain significance for CTCF-related condition. Last evaluated: 2024-09-20. Review status: no assertion criteria provided. Collection method: clinical testing. Allele origin: germline.
Comment: The CTCF c.29T>C variant is predicted to result in the amino acid substitution p.Val10Ala. To our knowledge, this variant has not been reported in the literature or in a large population database, indicating this variant is rare. At this time, the clinical significance of this variant is uncertain due to the absence of conclusive functional and genetic evidence.

NM_006565.4(CTCF):c.29T>C (p.Val10Ala)

Gene: CTCF (CCCTC-binding factor; plus strand). Cytogenetic location: 16q22.1.
Variant type: single nucleotide variant.
Coding change: c.29T>C on transcript NM_006565.4 (MANE Select); coding-DNA position 29, T replaced by C.
Protein change: p.Val10Ala; replaces valine 10 with alanine.
Molecular consequence: missense variant. On other transcripts: intron variant (1).
Genome position (GRCh38, 1-based): chr16:67,610,861, T>C. VCF-style: chr16-67610861-T-C. GRCh37 (hg19) VCF-style: chr16-67644764-T-C.
Other names: c.29T>C, p.Val10Ala (NM_001363916.2); c.-32-5884T>C (NM_001191022.2); short protein forms V10A.
Identifiers: ClinVar variation 2632030 (VCV002632030.2), dbSNP rs1434204599, ClinGen allele CA396299727.